The following is an entry in ClinVar:

NM_004863.4(SPTLC2):c.463G>A (p.Asp155Asn)

Gene: SPTLC2 (serine palmitoyltransferase long chain base subunit 2; minus strand). Cytogenetic location: 14q24.3.
Variant type: single nucleotide variant.
Coding change: c.463G>A on transcript NM_004863.4 (MANE Select); coding-DNA position 463, G replaced by A.
Protein change: p.Asp155Asn; replaces aspartic acid 155 with asparagine.
Molecular consequence: missense variant.
Genome position (GRCh38, 1-based): chr14:77,578,974, C>T on the plus strand (G>A on the coding strand, the complement: SPTLC2 is on the minus strand). VCF-style: chr14-77578974-C-T. GRCh37 (hg19) VCF-style: chr14-78045317-C-T.
Other names: short protein forms D155N.
Identifiers: ClinVar variation 1483614 (VCV001483614.6), dbSNP rs2140040861, ClinGen allele CA390700474.

ClinVar aggregate classification (germline): Uncertain significance (1 of 4 stars; one submission).

Conditions:
Neuropathy, hereditary sensory and autonomic, type 1C. Also called: HSAN IC; HSN IC. Identifiers: Orphanet 36386, MedGen C3150896, MONDO:0013337, OMIM 613640.

Allele frequency attached by ClinVar (database versions not stated): gnomAD exomes below 0.00001.
gnomAD v4.1: 1 of 1,614,054 alleles (0.000062%); highest among the groups gnomAD compares: South Asian, 0.0011%; no homozygotes.

Submission:

Labcorp Genetics (formerly Invitae), Labcorp
Classification: Uncertain significance for Neuropathy, hereditary sensory and autonomic, type 1C. Last evaluated: 2021-08-15. Review status: criteria provided, single submitter. Criteria: Invitae Variant Classification Sherloc (09022015). Collection method: clinical testing. Allele origin: germline.
Comment: In summary, the available evidence is currently insufficient to determine the role of this variant in disease. Therefore, it has been classified as a Variant of Uncertain Significance. Algorithms developed to predict the effect of missense changes on protein structure and function (SIFT, PolyPhen-2, Align-GVGD) all suggest that this variant is likely to be tolerated. This variant has not been reported in the literature in individuals affected with SPTLC2-related conditions. This variant is not present in population databases (ExAC no frequency). This sequence change replaces aspartic acid with asparagine at codon 155 of the SPTLC2 protein (p.Asp155Asn). The aspartic acid residue is highly conserved and there is a small physicochemical difference between aspartic acid and asparagine.